The following is an entry in ClinVar:

ClinVar aggregate classification (germline): Uncertain significance (1 of 4 stars; one submission).

Allele frequency attached by ClinVar (database versions not stated): ExAC 0.00002; gnomAD 0.00003; TOPMed 0.00003; gnomAD exomes 0.00007.
gnomAD v4.1: 102 of 1,613,918 alleles (0.0063%); highest among the groups gnomAD compares: Non-Finnish European, 0.0084%; no homozygotes.

Submission:

Labcorp Genetics (formerly Invitae), Labcorp
Classification: Uncertain significance. Last evaluated: 2023-12-08. Review status: criteria provided, single submitter. Criteria: Invitae Variant Classification Sherloc (09022015). Collection method: clinical testing. Allele origin: germline.
Comment: This sequence change replaces glutamic acid, which is acidic and polar, with alanine, which is neutral and non-polar, at codon 1614 of the MACF1 protein (p.Glu1614Ala). This variant is present in population databases (rs751045356, gnomAD 0.003%). This variant has not been reported in the literature in individuals affected with MACF1-related conditions. ClinVar contains an entry for this variant (Variation ID: 1982686). An algorithm developed to predict the effect of missense changes on protein structure and function (PolyPhen-2) suggests that this variant is likely to be disruptive. In summary, the available evidence is currently insufficient to determine the role of this variant in disease. Therefore, it has been classified as a Variant of Uncertain Significance.

NM_001394062.1(MACF1):c.11027A>C (p.Glu3676Ala)

Gene: MACF1 (microtubule actin crosslinking factor 1; plus strand). Cytogenetic location: 1p34.3.
Variant type: single nucleotide variant.
Coding change: c.11027A>C on transcript NM_001394062.1 (MANE Select); coding-DNA position 11027, A replaced by C.
Protein change: p.Glu3676Ala; replaces glutamic acid 3676 with alanine.
Molecular consequence: missense variant.
Genome position (GRCh38, 1-based): chr1:39,350,846, A>C. VCF-style: chr1-39350846-A-C. GRCh37 (hg19) VCF-style: chr1-39816518-A-C.
Other names: c.4841A>C, p.Glu1614Ala (NM_012090.5); short protein forms E1614A, E3676A.
Identifiers: ClinVar variation 1982686 (VCV001982686.4), dbSNP rs751045356, ClinGen allele CA781495.